The following is an entry in ClinVar:

ClinVar aggregate classification (germline): Conflicting classifications of pathogenicity. Review status: criteria provided, conflicting classifications (1 of 4 stars). 2 submissions from 2 submitters: Uncertain significance (1); Likely benign (1). Last evaluated 2024-04-09.

Allele frequency attached by ClinVar (database versions not stated): TOPMed below 0.00001; gnomAD 0.00001; gnomAD exomes 0.00001; ExAC 0.00002.

Submissions (2):

GeneDx
Classification: Uncertain significance. Last evaluated: 2024-04-09. Review status: criteria provided, single submitter. Criteria: GeneDx Variant Classification Process June 2021. Collection method: clinical testing. Allele origin: germline.
Comment: In silico analysis supports that this missense variant has a deleterious effect on protein structure/function; Has not been previously published as pathogenic or benign to our knowledge

Blueprint Genetics
Classification: Likely benign. Last evaluated: 2022-11-01. Review status: criteria provided, single submitter. Criteria: ACMG Guidelines, 2015. Collection method: clinical testing. Allele origin: germline.

NM_020988.3(GNAO1):c.256C>T (p.Arg86Trp)

Gene: GNAO1 (G protein subunit alpha o1; plus strand). Cytogenetic location: 16q13.
Variant type: single nucleotide variant.
Coding change: c.256C>T on transcript NM_020988.3 (MANE Select); coding-DNA position 256, C replaced by T.
Protein change: p.Arg86Trp; replaces arginine 86 with tryptophan.
Molecular consequence: missense variant.
Genome position (GRCh38, 1-based): chr16:56,276,025, C>T. VCF-style: chr16-56276025-C-T. GRCh37 (hg19) VCF-style: chr16-56309937-C-T.
Other names: c.256C>T, p.Arg86Trp (NM_138736.3); short protein forms R86W.
Identifiers: ClinVar variation 2663094 (VCV002663094.2), dbSNP rs767115578, ClinGen allele CA8063711.